The following is an entry in ClinVar:

ClinVar aggregate classification (germline): Uncertain significance. Review status: criteria provided, multiple submitters, no conflicts (2 of 4 stars). 3 submissions from 3 submitters: Uncertain significance (3). Last evaluated 2024-08-14.

Conditions:
Familial X-linked hypophosphatemic vitamin D refractory rickets (XLHRD). Also called: Hypophosphatemic Rickets, X-Linked Dominant; X-Linked Hypophosphatemia; Hypophosphatemia, vitamin D-resistant rickets; Vitamin D-resistant rickets, X-linked; HYPOPHOSPHATEMIC VITAMIN D-RESISTANT RICKETS. Identifiers: Orphanet 89936, MedGen C0733682, MONDO:0010619, OMIM 307800.

Allele frequency attached by ClinVar (database versions not stated): gnomAD 0.00001; gnomAD exomes 0.00001 and 0.00004; TOPMed 0.00001.
gnomAD v4.1: 39 of 1,206,689 alleles (0.0032%); highest among the groups gnomAD compares: Non-Finnish European, 0.0043%; no homozygotes.

Submissions (3):

Mayo Clinic Laboratories, Mayo Clinic
Classification: Uncertain significance. Last evaluated: 2024-08-14. Review status: criteria provided, single submitter. Criteria: ACMG Guidelines, 2015. Collection method: clinical testing. Allele origin: germline. Observed: 1 variant allele.
Comment: PM2

Labcorp Genetics (formerly Invitae), Labcorp
Classification: Uncertain significance. Last evaluated: 2024-04-29. Review status: criteria provided, single submitter. Criteria: Invitae Variant Classification Sherloc (09022015). Collection method: clinical testing. Allele origin: germline.
Comment: This sequence change replaces tyrosine, which is neutral and polar, with histidine, which is basic and polar, at codon 626 of the PHEX protein (p.Tyr626His). This variant is present in population databases (no rsID available, gnomAD 0.001%). This variant has not been reported in the literature in individuals affected with PHEX-related conditions. ClinVar contains an entry for this variant (Variation ID: 1043581). Advanced modeling of protein sequence and biophysical properties (such as structural, functional, and spatial information, amino acid conservation, physicochemical variation, residue mobility, and thermodynamic stability) performed at Invitae indicates that this missense variant is expected to disrupt PHEX protein function with a positive predictive value of 80%. In summary, the available evidence is currently insufficient to determine the role of this variant in disease. Therefore, it has been classified as a Variant of Uncertain Significance.

Fulgent Genetics
Classification: Uncertain significance for Familial X-linked hypophosphatemic vitamin D refractory rickets. Last evaluated: 2022-03-21. Review status: criteria provided, single submitter. Criteria: ACMG Guidelines, 2015. Collection method: clinical testing. Allele origin: unknown.

NM_000444.6(PHEX):c.1876T>C (p.Tyr626His)

Genes: PHEX (phosphate regulating endopeptidase X-linked; plus strand), PTCHD1-AS (PTCHD1 and PHEX antisense RNA; minus strand). Cytogenetic location: Xp22.11.
Variant type: single nucleotide variant.
Coding change: c.1876T>C on transcript NM_000444.6 (MANE Select); coding-DNA position 1876, T replaced by C.
Protein change: p.Tyr626His; replaces tyrosine 626 with histidine.
Molecular consequence: missense variant.
Genome position (GRCh38, 1-based): chrX:22,221,720, T>C. VCF-style: chrX-22221720-T-C. GRCh37 (hg19) VCF-style: chrX-22239837-T-C.
Other names: p.Tyr626His; c.1876T>C, p.Tyr626His (NM_001282754.2); short protein forms Y626H.
Identifiers: ClinVar variation 1043581 (VCV001043581.10), dbSNP rs1036644594, ClinGen allele CA327531987.